The following is an entry in ClinVar:

ClinVar aggregate classification (germline): Uncertain significance (1 of 4 stars; one submission).

Submission:

Labcorp Genetics (formerly Invitae), Labcorp
Classification: Uncertain significance. Last evaluated: 2024-10-21. Review status: criteria provided, single submitter. Criteria: Invitae Variant Classification Sherloc (09022015). Collection method: clinical testing. Allele origin: germline.
Comment: This sequence change replaces arginine, which is basic and polar, with leucine, which is neutral and non-polar, at codon 56 of the POU4F3 protein (p.Arg56Leu). This variant is not present in population databases (gnomAD no frequency). This variant has not been reported in the literature in individuals affected with POU4F3-related conditions. Invitae Evidence Modeling of protein sequence and biophysical properties (such as structural, functional, and spatial information, amino acid conservation, physicochemical variation, residue mobility, and thermodynamic stability) indicates that this missense variant is not expected to disrupt POU4F3 protein function with a negative predictive value of 80%. In summary, the available evidence is currently insufficient to determine the role of this variant in disease. Therefore, it has been classified as a Variant of Uncertain Significance.

NM_002700.3(POU4F3):c.167G>T (p.Arg56Leu)

Genes: POU4F3 (POU class 4 homeobox 3; plus strand), RBM27-POU4F3 (RBM27-POU4F3 readthrough; plus strand). Cytogenetic location: 5q32.
Variant type: single nucleotide variant.
Coding change: c.167G>T on transcript NM_002700.3 (MANE Select); coding-DNA position 167, G replaced by T.
Protein change: p.Arg56Leu; replaces arginine 56 with leucine.
Molecular consequence: missense variant. On other transcripts: 3 prime UTR variant (1).
Genome position (GRCh38, 1-based): chr5:146,339,594, G>T. VCF-style: chr5-146339594-G-T. GRCh37 (hg19) VCF-style: chr5-145719157-G-T.
Other names: c.*36G>T (NM_001414499.1); short protein forms R56L.
Identifiers: ClinVar variation 3719938 (VCV003719938.2).
Genomic context (GRCh38, chr5:146,339,594, plus strand): 5'-CTTCTCGCTTGCAGCTGCAGGGTAATATATTTGGAAGCTTTGATGAGAGCCTGCTGGCAC[G>T]CGCCGAAGCTCTGGCGGCGGTGGATATCGTCTCCCACGGCAAGAACCATCCGTTCAAGCC-3'
Protein context (NP_002691.1, residues 46-66): FGSFDESLLA[Arg56Leu]AEALAAVDIV